The following is an entry in ClinVar:

NM_000497.4(CYP11B1):c.913A>T (p.Lys305Ter)

Genes: CYP11B1 (cytochrome P450 family 11 subfamily B member 1; minus strand), LOC106799833 (CYP11B1 recombination region; plus strand). Cytogenetic location: 8q24.3.
Variant type: single nucleotide variant.
Coding change: c.913A>T on transcript NM_000497.4 (MANE Select); coding-DNA position 913, A replaced by T.
Protein change: p.Lys305Ter; replaces lysine 305 with a stop codon.
Molecular consequence: nonsense.
Genome position (GRCh38, 1-based): chr8:142,876,282, T>A on the plus strand (A>T on the coding strand, the complement: CYP11B1 is on the minus strand). VCF-style: chr8-142876282-T-A. GRCh37 (hg19) VCF-style: chr8-143957698-T-A.
Other names: c.913A>T, p.Lys305Ter (NM_001026213.1); short protein forms K305*.
Identifiers: ClinVar variation 1687503 (VCV001687503.1), dbSNP rs2130273191, ClinGen allele CA372395121.

ClinVar aggregate classification (germline): Pathogenic (1 of 4 stars; one submission).

Conditions:
Deficiency of steroid 11-beta-monooxygenase (CYP11B1). Also called: ADRENAL HYPERPLASIA, CONGENITAL, DUE TO STEROID 11-BETA-HYDROXYLASE DEFICIENCY; 11-BETA-HYDROXYLASE DEFICIENCY; Congenital adrenal hyperplasia due to 11-beta-hydroxylase deficiency; P450C11B1 DEFICIENCY; STEROID 11-BETA-HYDROXYLASE DEFICIENCY; ADRENAL HYPERPLASIA IV. Identifiers: Orphanet 90795, MedGen C0268292, MONDO:0008729, OMIM 202010. Disease mechanism: loss of function.

Submission:

3billion
Classification: Pathogenic for Deficiency of steroid 11-beta-monooxygenase. Last evaluated: 2022-05-22. Review status: criteria provided, single submitter. Criteria: ACMG Guidelines, 2015. Collection method: clinical testing. Allele origin: germline. Affected: yes. Observed: 1 homozygote.
Comment: The variant is not observed in the gnomAD v2.1.1 dataset. Stop-gained (nonsense): predicted to result in a loss or disruption of normal protein function through nonsense-mediated decay (NMD) or protein truncation. Multiple pathogenic variants are reported downstream of the variant.